The following is an entry in ClinVar:

NM_177438.3(DICER1):c.2480T>C (p.Ile827Thr)

Gene: DICER1 (dicer 1, ribonuclease III; minus strand). Cytogenetic location: 14q32.13.
Variant type: single nucleotide variant.
Coding change: c.2480T>C on transcript NM_177438.3 (MANE Select); coding-DNA position 2480, T replaced by C.
Protein change: p.Ile827Thr; replaces isoleucine 827 with threonine.
Molecular consequence: missense variant. On other transcripts: non-coding transcript variant (6).
Genome position (GRCh38, 1-based): chr14:95,108,050, A>G on the plus strand (T>C on the coding strand, the complement: DICER1 is on the minus strand). VCF-style: chr14-95108050-A-G. GRCh37 (hg19) VCF-style: chr14-95574387-A-G.
Other names: c.2480T>C, p.Ile827Thr (NM_001195573.1, NM_001271282.3, NM_001291628.2 and 13 more transcripts); c.2198T>C, p.Ile733Thr (NM_001395686.1); c.2075T>C, p.Ile692Thr (NM_001395687.1, NM_001395688.1, NM_001395689.1 and 2 more transcripts); c.1913T>C, p.Ile638Thr (NM_001395691.1); c.797T>C, p.Ile266Thr (NM_001395697.1); short protein forms I692T, I638T, I266T, I733T, I827T.
Identifiers: ClinVar variation 1791922 (VCV001791922.2), dbSNP rs2542843114, ClinGen allele CA390881940.

ClinVar aggregate classification (germline): Uncertain significance (1 of 4 stars; one submission).

Conditions:
Hereditary cancer-predisposing syndrome. Also called: Hereditary Cancer Syndrome; Hereditary neoplastic syndrome; Tumor predisposition; Neoplastic Syndromes, Hereditary. Identifiers: Orphanet 140162, MedGen C0027672, MeSH D009386, MONDO:0015356.

Submission:

Ambry Genetics
Classification: Uncertain significance for Hereditary cancer-predisposing syndrome. Last evaluated: 2021-12-29. Review status: criteria provided, single submitter. Criteria: Ambry Variant Classification Scheme 2023. Collection method: clinical testing. Allele origin: germline.
Comment: The p.I827T variant (also known as c.2480T>C), located in coding exon 15 of the DICER1 gene, results from a T to C substitution at nucleotide position 2480. The isoleucine at codon 827 is replaced by threonine, an amino acid with similar properties. This amino acid position is well conserved in available vertebrate species. In addition, this alteration is predicted to be deleterious by in silico analysis. Since supporting evidence is limited at this time, the clinical significance of this alteration remains unclear.